The following is an entry in ClinVar:

ClinVar aggregate classification (germline): Uncertain significance (1 of 4 stars; one submission).

Conditions:
Hereditary cancer-predisposing syndrome. Also called: Tumor predisposition; Neoplastic Syndromes, Hereditary; Hereditary neoplastic syndrome; Hereditary Cancer Syndrome. Identifiers: Orphanet 140162, MedGen C0027672, MeSH D009386, MONDO:0015356.

Submission:

Ambry Genetics
Classification: Uncertain significance for Hereditary cancer-predisposing syndrome. Last evaluated: 2025-08-27. Review status: criteria provided, single submitter. Criteria: Ambry Variant Classification Scheme 2023. Collection method: clinical testing. Allele origin: germline.
Comment: The p.H536R variant (also known as c.1607A>G), located in coding exon 16 of the MUTYH gene, results from an A to G substitution at nucleotide position 1607. The histidine at codon 536 is replaced by arginine, an amino acid with highly similar properties. This amino acid position is conserved. In addition, this alteration is predicted to be tolerated by in silico analysis. Based on the available evidence, the clinical significance of this variant remains unclear.

NM_001048174.2(MUTYH):c.1523A>G (p.His508Arg)

Gene: MUTYH (mutY DNA glycosylase; minus strand). Cytogenetic location: 1p34.1.
Variant type: single nucleotide variant.
Coding change: c.1523A>G on transcript NM_001048174.2 (MANE Select); coding-DNA position 1523, A replaced by G.
Protein change: p.His508Arg; replaces histidine 508 with arginine.
Molecular consequence: missense variant. On other transcripts: non-coding transcript variant (7).
Genome position (GRCh38, 1-based): chr1:45,329,349, T>C on the plus strand (A>G on the coding strand, the complement: MUTYH is on the minus strand). VCF-style: chr1-45329349-T-C. GRCh37 (hg19) VCF-style: chr1-45795021-T-C.
Other names: c.1598A>G, p.His533Arg (NM_012222.3); c.1523A>G, p.His508Arg (NM_001048171.2, NM_001048173.2, NM_001293195.2 and 6 more transcripts); c.1526A>G, p.His509Arg (NM_001048172.2, NM_001407071.1, NM_001407078.1 and 1 more transcripts); c.1607A>G, p.His536Arg (NM_001128425.2); c.1568A>G, p.His523Arg (NM_001293190.2); c.1556A>G, p.His519Arg (NM_001293191.2, NM_001407069.1, NM_001407077.1); c.1247A>G, p.His416Arg (NM_001293192.2, NM_001293196.2, NM_001407091.1); c.1178A>G, p.His393Arg (NM_001350650.2, NM_001350651.2, NM_001407082.1); and 5 more; short protein forms H523R, H393R, H508R, H509R, H519R, H536R, H480R, H515R.
Identifiers: ClinVar variation 4113432 (VCV004113432.1).
Genomic context (GRCh38, chr1:45,329,349, plus strand): 5'-GGGGGCTTTCAGAGGTGTCACTGGGCTGCACTGTTGAGGCTGTGTGCATCAGTGGAGATG[T>C]GAGACCGAAAGAAATTATCCAGGACTTGCTGGCCCATGCGGGGCTTTTTCCGACTGCACG-3'
Protein context (NP_001041639.1, residues 498-518): QQVLDNFFRS[His508Arg]ISTDAHSLNS